The following is an entry in ClinVar:

NM_018671.5(UNC45A):c.2171C>A (p.Thr724Asn)

Gene: UNC45A (unc-45 myosin chaperone A; plus strand). Cytogenetic location: 15q26.1.
Variant type: single nucleotide variant.
Coding change: c.2171C>A on transcript NM_018671.5 (MANE Select); coding-DNA position 2171, C replaced by A.
Protein change: p.Thr724Asn; replaces threonine 724 with asparagine.
Molecular consequence: missense variant.
Genome position (GRCh38, 1-based): chr15:90,950,251, C>A. VCF-style: chr15-90950251-C-A. GRCh37 (hg19) VCF-style: chr15-91493481-C-A.
Other names: c.2171C>A (NM_018671.3); c.2126C>A, p.Thr709Asn (NM_001039675.2, NM_001323621.2); c.2171C>A, p.Thr724Asn (NM_001323619.1); c.1736C>A, p.Thr579Asn (NM_001323620.2); short protein forms T709N, T724N, T579N.
Identifiers: ClinVar variation 1495860 (VCV001495860.7), dbSNP rs763826067, ClinGen allele CA274751317.

ClinVar aggregate classification (germline): Uncertain significance. Review status: criteria provided, multiple submitters, no conflicts (2 of 4 stars). 2 submissions from 2 submitters: Uncertain significance (2). Last evaluated 2025-08-30.

Conditions:
Inborn genetic diseases. Identifiers: MedGen C0950123, MeSH D030342.

Allele frequency attached by ClinVar (database versions not stated): gnomAD exomes 0.00001.
gnomAD v4.1: 13 of 1,551,738 alleles (0.00084%); highest among the groups gnomAD compares: Admixed American, 0.002%; no homozygotes.

Submissions (2):

Ambry Genetics
Classification: Uncertain significance for Inborn genetic diseases. Last evaluated: 2025-08-30. Review status: criteria provided, single submitter. Criteria: Ambry Variant Classification Scheme 2023. Collection method: clinical testing. Allele origin: germline.

Labcorp Genetics (formerly Invitae), Labcorp
Classification: Uncertain significance. Last evaluated: 2021-11-02. Review status: criteria provided, single submitter. Criteria: Invitae Variant Classification Sherloc (09022015). Collection method: clinical testing. Allele origin: germline.
Comment: In summary, the available evidence is currently insufficient to determine the role of this variant in disease. Therefore, it has been classified as a Variant of Uncertain Significance. Algorithms developed to predict the effect of missense changes on protein structure and function are either unavailable or do not agree on the potential impact of this missense change (SIFT: "Not Available"; PolyPhen-2: "Possibly Damaging"; Align-GVGD: "Not Available"). This variant has not been reported in the literature in individuals affected with UNC45A-related conditions. This variant is not present in population databases (gnomAD no frequency). This sequence change replaces threonine, which is neutral and polar, with asparagine, which is neutral and polar, at codon 724 of the UNC45A protein (p.Thr724Asn).